The following is an entry in ClinVar:

ClinVar aggregate classification (germline): Uncertain significance. Review status: criteria provided, multiple submitters, no conflicts (2 of 4 stars). 2 submissions from 2 submitters: Uncertain significance (2). Last evaluated 2026-01-28.

Conditions:
Inborn genetic diseases. Identifiers: MedGen C0950123, MeSH D030342.

Allele frequency attached by ClinVar (database versions not stated): gnomAD exomes 0.00001; TOPMed 0.00001; ESP Exome Variant Server 0.00008.
gnomAD v4.1: 8 of 1,607,160 alleles (0.0005%); highest among the groups gnomAD compares: Non-Finnish European, 0.0006%; no homozygotes.

Submissions (2):

Labcorp Genetics (formerly Invitae), Labcorp
Classification: Uncertain significance. Last evaluated: 2026-01-28. Review status: criteria provided, single submitter. Criteria: Invitae Variant Classification Sherloc (09022015). Collection method: clinical testing. Allele origin: germline.
Comment: This sequence change replaces asparagine, which is neutral and polar, with serine, which is neutral and polar, at codon 542 of the CDH2 protein (p.Asn542Ser). This variant is not present in population databases (gnomAD no frequency). This variant has not been reported in the literature in individuals affected with CDH2-related conditions. ClinVar contains an entry for this variant (Variation ID: 2989306). An algorithm developed to predict the effect of missense changes on protein structure and function (PolyPhen-2) suggests that this variant is likely to be tolerated. In summary, the available evidence is currently insufficient to determine the role of this variant in disease. Therefore, it has been classified as a Variant of Uncertain Significance.

Ambry Genetics
Classification: Uncertain significance for Inborn genetic diseases. Last evaluated: 2024-06-25. Review status: criteria provided, single submitter. Criteria: Ambry Variant Classification Scheme 2023. Collection method: clinical testing. Allele origin: germline.

NM_001792.5(CDH2):c.1625A>G (p.Asn542Ser)

Gene: CDH2 (cadherin 2; minus strand). Cytogenetic location: 18q12.1.
Variant type: single nucleotide variant.
Coding change: c.1625A>G on transcript NM_001792.5 (MANE Select); coding-DNA position 1625, A replaced by G.
Protein change: p.Asn542Ser; replaces asparagine 542 with serine.
Molecular consequence: missense variant.
Genome position (GRCh38, 1-based): chr18:27,988,640, T>C on the plus strand (A>G on the coding strand, the complement: CDH2 is on the minus strand). VCF-style: chr18-27988640-T-C. GRCh37 (hg19) VCF-style: chr18-25568604-T-C.
Other names: c.1625A>G (NM_001792.3); c.1532A>G, p.Asn511Ser (NM_001308176.2); short protein forms N542S, N511S.
Identifiers: ClinVar variation 2989306 (VCV002989306.4), dbSNP rs140291781, ClinGen allele CA297682783.